The following is an entry in ClinVar:

NM_001376.5(DYNC1H1):c.3624G>T (p.Trp1208Cys)

Gene: DYNC1H1 (dynein cytoplasmic 1 heavy chain 1; plus strand). Cytogenetic location: 14q32.31.
Variant type: single nucleotide variant.
Coding change: c.3624G>T on transcript NM_001376.5 (MANE Select); coding-DNA position 3624, G replaced by T.
Protein change: p.Trp1208Cys; replaces tryptophan 1208 with cysteine.
Molecular consequence: missense variant.
Genome position (GRCh38, 1-based): chr14:101,997,094, G>T. VCF-style: chr14-101997094-G-T. GRCh37 (hg19) VCF-style: chr14-102463431-G-T.
Other names: short protein forms W1208C.
Identifiers: ClinVar variation 1708512 (VCV001708512.5), dbSNP rs2503720187, ClinGen allele CA391035829.
Genomic context (GRCh38, chr14:101,997,094, plus strand): 5'-GCTCTACCGCAATGGCCAGCGCTTACTGGAAAAGCAAAGGTTCCAGTTCCCACCTTCCTG[G>T]CTTTATATTGACAACATCGAGGGAGAGTGGGGAGCCTTCAATGACATCATGCGGCGAAAG-3'
Protein context (NP_001367.2, residues 1198-1218): EKQRFQFPPS[Trp1208Cys]LYIDNIEGEW

ClinVar aggregate classification (germline): Conflicting classifications of pathogenicity. Review status: criteria provided, conflicting classifications (1 of 4 stars). 2 submissions from 2 submitters: Pathogenic (1); Uncertain significance (1). Last evaluated 2022-09-27.

Conditions:
Autosomal dominant childhood-onset proximal spinal muscular atrophy without contractures. Also called: SPINAL MUSCULAR ATROPHY, JUVENILE, PROXIMAL, AUTOSOMAL DOMINANT; KUGELBERG-WELANDER SYNDROME, AUTOSOMAL DOMINANT; Spinal muscular atrophy, lower extremity-predominant 1, AD; SPINAL MUSCULAR ATROPHY, CHILDHOOD, PROXIMAL, AUTOSOMAL DOMINANT. Identifiers: Orphanet 209341, Orphanet 363447, MedGen C5780022, MONDO:0008026, OMIM 158600.

Submissions (2):

Institute for Medical Genetics and Human Genetics, Charité - Universitätsmedizin Berlin
Classification: Pathogenic for Autosomal dominant childhood-onset proximal spinal muscular atrophy without contractures. Last evaluated: 2022-09-27. Review status: criteria provided, single submitter. Criteria: ACMG Guidelines, 2015. Collection method: clinical testing. Allele origin: germline. Inheritance: Autosomal dominant inheritance. Affected: yes. Observed: 1 heterozygote.

GeneDx
Classification: Uncertain significance. Last evaluated: 2022-04-28. Review status: criteria provided, single submitter. Criteria: GeneDx Variant Classification Process June 2021. Collection method: clinical testing. Allele origin: germline. Affected: yes.
Comment: Not observed at significant frequency in large population cohorts (gnomAD); In silico analysis supports that this missense variant has a deleterious effect on protein structure/function; Has not been previously published as pathogenic or benign to our knowledge; This variant is associated with the following publications: (PMID: 25512093, 25609763, 26100331)